The following is an entry in ClinVar:

ClinVar aggregate classification (germline): Conflicting classifications of pathogenicity. Review status: criteria provided, conflicting classifications (1 of 4 stars). 9 submissions from 9 submitters: Pathogenic (1); Likely pathogenic (4); Uncertain significance (3). 1 of the submissions does not count toward it. Last evaluated 2026-04-14.

Conditions:
Benign recurrent intrahepatic cholestasis type 2 (BRIC2). Also called: Recurrent familial intrahepatic cholestasis 2. Identifiers: Orphanet 65682, Orphanet 99961, MedGen C2608083, MONDO:0011559, OMIM 605479.
ABCB11-related disorder. Also called: ABCB11-related condition.
Progressive familial intrahepatic cholestasis type 2. Identifiers: Orphanet 79304, MedGen C3489789, MONDO:0011156, OMIM 601847.
Familial intrahepatic cholestasis. Identifiers: Orphanet 284385, MedGen CN296401, MONDO:0017290.
Cholestasis, intrahepatic, of pregnancy, 3. Identifiers: Orphanet 69665, MedGen C3554241, MONDO:0013995, OMIM 614972.

Allele frequency attached by ClinVar (database versions not stated): gnomAD 0.00002; gnomAD exomes 0.00002; ExAC 0.00003; TOPMed 0.00006; ESP Exome Variant Server 0.00042.
gnomAD v4.1: 93 of 1,613,568 alleles (0.0058%); highest among the groups gnomAD compares: Non-Finnish European, 0.0078%; no homozygotes.

Submissions (9):

Genomenon, Inc
Classification: Likely pathogenic for Familial intrahepatic cholestasis. Last evaluated: 2026-04-14. Review status: criteria provided, single submitter. Criteria: Genomenon Sequence Variant Interpretation Standards - Updated. Collection method: curation. Allele origin: germline. Affected: yes.
Comment: ABCB11 p.Glu1223Asp (c.3669G>C) is a missense variant that changes the amino acid at residue 1223 from Glutamic acid to Aspartic acid. This variant has been observed in at least one proband with an ABCB11-related disorder (PMID:32087350;31538484;29992621;20683201). The variant was found to segregate with disease in at least one affected family (PMID:29992621). At least one splicing study demonstrated no effect on splicing (PMID:19101985). It is absent or not present at a significant frequency in gnomAD. In silico models predict that this variant is possibly or probably damaging. In conclusion, we classify ABCB11 p.Glu1223Asp (c.3669G>C) as a likely pathogenic variant.

PreventionGenetics, part of Exact Sciences
Classification: Uncertain significance for ABCB11-related condition. Last evaluated: 2025-12-11. Review status: criteria provided, single submitter. Criteria: ACMG Guidelines, 2015. Collection method: clinical testing. Allele origin: germline.
Comment: The ABCB11 c.3669G>C variant is predicted to result in the amino acid substitution p.Glu1223Asp. This variant was reported in an individual with prolonged neonatal hepatitis (Byrne et al. 2009. PubMed ID: 19101985) and at least two individuals with cholestasis, one of whom was heterozygous for an additional pathogenic ABCB11 variant (p.Arg948Cys) of unknown phase (Matte et al. 2010. PubMed ID: 20683201; Huynh et al. 2019. PubMed ID: 31538484). This variant has also been reported in the compound heterozygous state with an ABCB11 variant of uncertain significance (p.Ala763Pro) in two sisters with intrahepatic cholestasis of pregnancy (Yeap et al. 2019. PubMed ID: 29992621). We have also observed the p.Glu1223Asp variant in trans with another pathogenic ABCB11 variant in at least one individual who underwent cholestasis panel testing at PreventionGenetics (Internal Data). This variant is reported in 0.0055% of alleles in individuals of European (non-Finnish) descent in gnomAD. Although we suspect that this variant may be pathogenic, the clinical significance is uncertain at this time due to the absence of conclusive functional and genetic evidence.

Victorian Clinical Genetics Services, Murdoch Childrens Research Institute
Classification: Likely pathogenic for Benign recurrent intrahepatic cholestasis type 2. Last evaluated: 2025-11-27. Review status: criteria provided, single submitter. Criteria: ACMG Guidelines, 2015. Collection method: clinical testing. Allele origin: germline. Affected: yes.
Comment: This variant is classified as Likely pathogenic. Evidence in support of pathogenic classification: Variant is present in gnomAD <0.01 for a recessive condition (v4: 93 heterozygote(s), 0 homozygote(s)); This variant has strong previous evidence of pathogenicity in unrelated individuals. This variant has been classified once as likely pathogenic and once as a VUS by clinical laboratories (ClinVar), and has been reported in the literature in multiple compound heterozygous individuals affected with bile salt export pump (BSEP) deficiency (PMIDs: 29992621, 32087350, 34016879, 20683201); Missense variant predicted to be damaging by in silico tool(s) or highly conserved with a major amino acid change. Additional information: Variant is predicted to result in a missense amino acid change from Glu to Asp; This variant is heterozygous; This gene is associated with autosomal recessive disease; No published evidence of segregation with disease has been identified for this variant; No comparable missense variants have previous evidence for pathogenicity; Variant is located in the annotated ABC transporter domain (DECIPHER); Loss of function is a known mechanism of disease in this gene and is associated with cholestasis, benign recurrent intrahepatic, 2 (MIM#605479) and cholestasis, progressive familial intrahepatic 2 (MIM#601847); Inheritance information for this variant is not currently available in this individual.

Natera, Inc.
Classification: Likely pathogenic for Progressive familial intrahepatic cholestasis type 2. Last evaluated: 2025-05-01. Review status: criteria provided, single submitter. Criteria: Natera Variant Classification Schema (03/2026). Collection method: clinical testing. Allele origin: germline.
Comment: The c.3669G>C variant in ABCB11 is a missense variant predicted to cause substitution of glutamic acid to aspartic acid at amino acid 1223. This variant is rare in the general population with a frequency below the threshold expected for the associated phenotype(s). This variant has been observed in one or more individuals affected with the associated recessive disease, as either homozygous or compound heterozygous with a second variant (PMID: 32087350, 20683201). Computational prediction algorithms indicate this variant is likely to affect gene or protein function. Given the available evidence, this variant is classified as Likely Pathogenic.

Broad Center for Mendelian Genomics, Broad Institute of MIT and Harvard
Classification: Uncertain significance for Progressive familial intrahepatic cholestasis type 2. Last evaluated: 2025-01-23. Review status: criteria provided, single submitter. Criteria: ACMG Guidelines, 2015. Collection method: curation. Allele origin: germline. Inheritance: Autosomal recessive inheritance.
Comment: The p.Glu1223Asp variant in ABCB11 has been reported in at least three individuals with BSEP deficiency (PMID: 20683201, 34016879, 29992621;:10.33612:diss.13343025), and has been identified in 0.008% (92/1179784) of European (non-Finnish) chromosomes by the Genome Aggregation Database (gnomAD; dbSNP rs199649780). Although this variant has been seen in the general population in a heterozygous state, its frequency is low enough to be consistent with a recessive carrier frequency. This variant has also been reported in ClinVar (Variation ID: 812747) and has been interpreted as pathogenic/likely pathogenic by NIHR Bioresource Rare Diseases (University of Cambridge) and Baylor Genetics, and as a variant of uncertain significance by Mayo Clinic Laboratories. Of the three affected individuals, two were compound heterozygotes that carried a reported pathogenic or likely pathogenic variant with unknown phase, which increases the likelihood that the p.Glu1223Asp variant is pathogenic (Variation ID: 6590;:10.33612:diss.133430251). Computational prediction tools and conservation analyses suggest that this variant may impact the protein, though this information is not predictive enough to determine pathogenicity. In summary, while there is some suspicion for a pathogenic role, the clinical significance of this variant is uncertain. ACMG/AMP Criteria applied: PP3, PM2_supporting, PM3 (Richards 2015).

Blueprint Genetics
Classification: Pathogenic for ABCB11-related disorders. Last evaluated: 2024-09-24. Review status: criteria provided, single submitter. Criteria: ACMG Guidelines, 2015. Collection method: clinical testing. Allele origin: germline. Affected: yes. Observed: 4 variant alleles.

Baylor Genetics
Classification: Likely pathogenic for Benign recurrent intrahepatic cholestasis type 2. Last evaluated: 2024-03-27. Review status: criteria provided, single submitter. Criteria: ACMG Guidelines, 2015. Collection method: clinical testing. Allele origin: unknown.

Mayo Clinic Laboratories, Mayo Clinic
Classification: Uncertain significance. Last evaluated: 2023-02-23. Review status: criteria provided, single submitter. Criteria: ACMG Guidelines, 2015. Collection method: clinical testing. Allele origin: germline. Observed: 1 variant allele.
Comment: PM2, PS4_moderate

NIHR Bioresource Rare Diseases, University of Cambridge
Classification: Pathogenic for Cholestasis, intrahepatic, of pregnancy, 3. Review status: no assertion criteria provided. Collection method: research. Allele origin: unknown. Affected: yes. Observed: 1 variant allele. Not counted in ClinVar's aggregate classification.

Literature cited by the submitters: PubMed 32087350 (cited by 3 submitters); PubMed 31538484 (cited by Genomenon, Inc and Mayo Clinic Laboratories, Mayo Clinic); PubMed 29992621 (cited by 3 submitters); PubMed 20683201 (cited by 4 submitters); PubMed 19101985 (cited by Genomenon, Inc and Mayo Clinic Laboratories, Mayo Clinic); PubMed 34016879 (cited by Victorian Clinical Genetics Services, Murdoch Childrens Research Institute and Mayo Clinic Laboratories, Mayo Clinic); PubMed 32581362 (cited by Mayo Clinic Laboratories, Mayo Clinic and NIHR Bioresource Rare Diseases, University of Cambridge).

NM_003742.4(ABCB11):c.3669G>C (p.Glu1223Asp)

Gene: ABCB11 (ATP binding cassette subfamily B member 11; minus strand). Cytogenetic location: 2q31.1.
Variant type: single nucleotide variant.
Coding change: c.3669G>C on transcript NM_003742.4 (MANE Select); coding-DNA position 3669, G replaced by C.
Protein change: p.Glu1223Asp; replaces glutamic acid 1223 with aspartic acid.
Molecular consequence: missense variant.
Genome position (GRCh38, 1-based): chr2:168,924,753, C>G on the plus strand (G>C on the coding strand, the complement: ABCB11 is on the minus strand). VCF-style: chr2-168924753-C-G. GRCh37 (hg19) VCF-style: chr2-169781263-C-G.
Other names: p.Glu1223Asp; NM_003742.4(ABCB11):c.3669G>C; short protein forms E1223D.
Identifiers: ClinVar variation 812747 (VCV000812747.9), dbSNP rs199649780, ClinGen allele CA1950966.